The following is an entry in ClinVar:

ClinVar aggregate classification (germline): Conflicting classifications of pathogenicity. Review status: criteria provided, conflicting classifications (1 of 4 stars). 2 submissions from 2 submitters: Uncertain significance (1); Likely benign (1). Last evaluated 2025-07-30.

Conditions:
Hereditary cancer-predisposing syndrome. Also called: Tumor predisposition; Hereditary Cancer Syndrome; Hereditary neoplastic syndrome; Neoplastic Syndromes, Hereditary. Identifiers: Orphanet 140162, MedGen C0027672, MeSH D009386, MONDO:0015356.
Hereditary breast ovarian cancer syndrome. Also called: Hereditary breast and ovarian cancer; Hereditary breast and/or ovarian cancer syndrome; BRCA1- and BRCA2-Associated Hereditary Breast and Ovarian Cancer; Hereditary breast and ovarian cancer syndrome; Hereditary breast and ovarian cancer syndrome (HBOC); Breast and ovarian cancer. Identifiers: Orphanet 145, MedGen C0677776, MeSH D061325, MONDO:0003582. Disease mechanism: loss of function.

Submissions (2):

Labcorp Genetics (formerly Invitae), Labcorp
Classification: Uncertain significance for Hereditary breast ovarian cancer syndrome. Last evaluated: 2025-07-30. Review status: criteria provided, single submitter. Criteria: Invitae Variant Classification Sherloc (09022015). Collection method: clinical testing. Allele origin: germline.
Comment: This sequence change replaces serine, which is neutral and polar, with arginine, which is basic and polar, at codon 643 of the BRCA1 protein (p.Ser643Arg). This variant is not present in population databases (gnomAD no frequency). This variant has not been reported in the literature in individuals affected with BRCA1-related conditions. ClinVar contains an entry for this variant (Variation ID: 409362). Invitae Evidence Modeling of protein sequence and biophysical properties (such as structural, functional, and spatial information, amino acid conservation, physicochemical variation, residue mobility, and thermodynamic stability) indicates that this missense variant is expected to disrupt BRCA1 protein function with a positive predictive value of 80%. In summary, the available evidence is currently insufficient to determine the role of this variant in disease. Therefore, it has been classified as a Variant of Uncertain Significance.

University of Washington Department of Laboratory Medicine, University of Washington
Classification: Likely benign for Hereditary cancer-predisposing syndrome. Last evaluated: 2023-03-23. Review status: criteria provided, single submitter. Criteria: Dines et al. (Genet Med. 2020). Collection method: curation. Allele origin: germline.
Comment: Missense variant in a coldspot region where missense variants are very unlikely to be pathogenic (PMID:31911673).

BRCA1 coldspot (exon 11 using historical exon numbering). Reclassification based on statistical prior probability

NM_007294.4(BRCA1):c.1929T>G (p.Ser643Arg)

Gene: BRCA1 (BRCA1 DNA repair associated; minus strand). Cytogenetic location: 17q21.31.
Variant type: single nucleotide variant.
Coding change: c.1929T>G on transcript NM_007294.4 (MANE Select); coding-DNA position 1929, T replaced by G.
Protein change: p.Ser643Arg; replaces serine 643 with arginine.
Molecular consequence: missense variant. On other transcripts: intron variant (137).
Genome position (GRCh38, 1-based): chr17:43,093,602, A>C on the plus strand (T>G on the coding strand, the complement: BRCA1 is on the minus strand). VCF-style: chr17-43093602-A-C. GRCh37 (hg19) VCF-style: chr17-41245619-A-C.
Other names: c.664+1142T>G (NM_001408425.1, NM_001408436.1, NM_001408444.1 and 12 more transcripts); c.1806T>G, p.Ser602Arg (NM_001407665.1, NM_001407674.1, NM_001407675.1 and 19 more transcripts); c.1803T>G, p.Ser601Arg (NM_001407671.1, NM_001407672.1, NM_001407673.1 and 11 more transcripts); c.787+1142T>G (NM_001407983.1, NM_001407975.1, NM_001408403.1 and 19 more transcripts); c.790+1139T>G (NM_001408406.1); c.646+1142T>G (NM_001408456.1, NM_001408458.1, NM_001408469.1 and 11 more transcripts); c.670+2244T>G (NM_001408419.1, NM_001408423.1, NM_001408420.1 and 2 more transcripts); c.1785T>G, p.Ser595Arg (NM_001407964.1, NM_001407740.1, NM_001407741.1 and 20 more transcripts); and 40 more; short protein forms S643R, S596R, S515R, S554R, S572R, S617R, S516R, S573R.
Identifiers: ClinVar variation 409362 (VCV000409362.12), dbSNP rs1060502361, ClinGen allele CA10598167.
Genomic context (GRCh38, chr17:43,093,602, plus strand): 5'-GCTGTGCCTGACTGGCATTTGGTTGTACTTTTTTTTCTTTATCTCTTCACTGCTAGAACA[A>C]CTATCAATTTGCAATTCAGTACAATTAGGTGGGCTTAGATTTCTACTGACTACTAGTTCA-3'
Protein context (NP_009225.1, residues 633-653): PPNCTELQID[Ser643Arg]CSSSEEIKKK